The following is an entry in ClinVar:

ClinVar aggregate classification (germline): Likely benign. Review status: criteria provided, multiple submitters, no conflicts (2 of 4 stars). 4 submissions from 4 submitters: Likely benign (3). 1 of the submissions does not count toward it. Last evaluated 2025-06-09.

Conditions:
WWOX-related disorder. Also called: WWOX-related condition.
Autosomal recessive spinocerebellar ataxia 12. Also called: SPINOCEREBELLAR ATAXIA WITH MENTAL RETARDATION AND EPILEPSY. Identifiers: Orphanet 284282, MedGen C3280452, MONDO:0013687, OMIM 614322.
Developmental and epileptic encephalopathy, 1 (DEE1). Also called: X-linked infantile spasms; West's syndrome; Tonic spasms with clustering, arrest of psychomotor development and hypsarrhythmia on EEG; OHTAHARA SYNDROME, X-LINKED; X-Linked Infantile Spasm Syndrome; INFANTILE SPASM SYNDROME, X-LINKED 1. Identifiers: MedGen C3463992, MONDO:0010632, OMIM 308350. Disease mechanism: loss of function.

Allele frequency attached by ClinVar (database versions not stated): ESP Exome Variant Server 0.00008; gnomAD 0.00011.
gnomAD v4.1: 98 of 1,613,814 alleles (0.0061%); highest among the groups gnomAD compares: South Asian, 0.042%; no homozygotes.

Submissions (4):

Labcorp Genetics (formerly Invitae), Labcorp
Classification: Likely benign for Developmental and epileptic encephalopathy, 1; Autosomal recessive spinocerebellar ataxia 12. Last evaluated: 2025-06-09. Review status: criteria provided, single submitter. Criteria: Invitae Variant Classification Sherloc (09022015). Collection method: clinical testing. Allele origin: germline.

Blueprint Genetics
Classification: Likely benign. Last evaluated: 2024-04-24. Review status: criteria provided, single submitter. Criteria: ACMG Guidelines, 2015. Collection method: clinical testing. Allele origin: germline.

GeneDx
Classification: Likely benign. Last evaluated: 2021-03-10. Review status: criteria provided, single submitter. Criteria: GeneDx Variant Classification Process June 2021. Collection method: clinical testing. Allele origin: germline. Affected: yes.

PreventionGenetics, part of Exact Sciences
Classification: Likely benign for WWOX-related condition. Last evaluated: 2019-11-26. Review status: no assertion criteria provided. Collection method: clinical testing. Allele origin: germline. Not counted in ClinVar's aggregate classification.
Comment: This variant is classified as likely benign based on ACMG/AMP sequence variant interpretation guidelines (Richards et al. 2015 PMID: 25741868, with internal and published modifications).

NM_016373.4(WWOX):c.420C>T (p.Thr140=)

Gene: WWOX (WW domain containing oxidoreductase; plus strand). Cytogenetic location: 16q23.1.
Variant type: single nucleotide variant.
Coding change: c.420C>T on transcript NM_016373.4 (MANE Select); coding-DNA position 420, C replaced by T.
Protein change: p.Thr140=; no amino-acid change (threonine 140 retained).
Molecular consequence: synonymous variant. On other transcripts: non-coding transcript variant (1).
Genome position (GRCh38, 1-based): chr16:78,164,193, C>T. VCF-style: chr16-78164193-C-T. GRCh37 (hg19) VCF-style: chr16-78198090-C-T.
Other names: c.420C>T, p.Thr140= (NM_130791.5); c.81C>T, p.Thr27= (NM_001291997.2); c.420C>T (NM_016373.3).
Identifiers: ClinVar variation 1134333 (VCV001134333.14), dbSNP rs374644172, ClinGen allele CA8183211.